The following is an entry in ClinVar:

ClinVar aggregate classification (germline): Uncertain significance (1 of 4 stars; one submission).

Conditions:
Immunodeficiency. Identifiers: MedGen C0021051, MONDO:0021094, HP:0002721.

Submission:

Labcorp Genetics (formerly Invitae), Labcorp
Classification: Uncertain significance for Immunodeficiency. Last evaluated: 2023-08-01. Review status: criteria provided, single submitter. Criteria: Invitae Variant Classification Sherloc (09022015). Collection method: clinical testing. Allele origin: unknown.
Comment: Experimental studies and prediction algorithms are not available or were not evaluated, and the functional significance of this variant is currently unknown. This variant has not been reported in the literature in individuals affected with NFAT5-related conditions. This variant is a gross deletion of the genomic region encompassing exon(s) 12 of the NFAT5 gene. This variant would be expected to be in-frame, preserving the integrity of the reading frame. In summary, the available evidence is currently insufficient to determine the role of this variant in disease. Therefore, it has been classified as a Variant of Uncertain Significance.

NC_000016.9:g.(?_69718770)_(69718893_?)del

Gene: NFAT5 (nuclear factor of activated T cells 5; plus strand). Cytogenetic location: 16q22.1.
Variant type: Deletion.
Identifiers: ClinVar variation 3243301 (VCV003243301.1).